The following is an entry in ClinVar:

NM_138801.3(GALM):c.29G>C (p.Gly10Ala)

Gene: GALM (galactose mutarotase; plus strand). Cytogenetic location: 2p22.1.
Variant type: single nucleotide variant.
Coding change: c.29G>C on transcript NM_138801.3 (MANE Select); coding-DNA position 29, G replaced by C.
Protein change: p.Gly10Ala; replaces glycine 10 with alanine.
Molecular consequence: missense variant.
Genome position (GRCh38, 1-based): chr2:38,666,190, G>C. VCF-style: chr2-38666190-G-C. GRCh37 (hg19) VCF-style: chr2-38893332-G-C.
Other names: short protein forms G10A.
Identifiers: ClinVar variation 1448953 (VCV001448953.7), dbSNP rs759116307, ClinGen allele CA1621376.

ClinVar aggregate classification (germline): Uncertain significance (1 of 4 stars; one submission).

Allele frequency attached by ClinVar (database versions not stated): gnomAD exomes 0.00001 and 0.00005; TOPMed 0.00001; gnomAD 0.00003; ExAC 0.00004.
gnomAD v4.1: 15 of 1,613,558 alleles (0.00093%); highest among the groups gnomAD compares: East Asian, 0.033%; no homozygotes.

Submission:

Labcorp Genetics (formerly Invitae), Labcorp
Classification: Uncertain significance. Last evaluated: 2022-10-13. Review status: criteria provided, single submitter. Criteria: Invitae Variant Classification Sherloc (09022015). Collection method: clinical testing. Allele origin: germline.
Comment: ClinVar contains an entry for this variant (Variation ID: 1448953). This variant has not been reported in the literature in individuals affected with GALM-related conditions. This variant is present in population databases (rs759116307, gnomAD 0.07%). This sequence change replaces glycine, which is neutral and non-polar, with alanine, which is neutral and non-polar, at codon 10 of the GALM protein (p.Gly10Ala). Algorithms developed to predict the effect of missense changes on protein structure and function are either unavailable or do not agree on the potential impact of this missense change (SIFT: "Deleterious"; PolyPhen-2: "Possibly Damaging"; Align-GVGD: "Class C0"). In summary, the available evidence is currently insufficient to determine the role of this variant in disease. Therefore, it has been classified as a Variant of Uncertain Significance. Experimental studies have shown that this missense change does not substantially affect GALM function (PMID: 30910422).

Literature cited by the submitters: PubMed 30910422.